The following is an entry in ClinVar:

ClinVar aggregate classification (germline): Uncertain significance (1 of 4 stars; one submission).

Conditions:
Inflammatory skin and bowel disease, neonatal, 1. Identifiers: Orphanet 294023, MedGen C3280501, MONDO:0013693, OMIM 614328.

Allele frequency attached by ClinVar (database versions not stated): ExAC 0.00001; gnomAD exomes 0.00001.

Submission:

Labcorp Genetics (formerly Invitae), Labcorp
Classification: Uncertain significance for Inflammatory skin and bowel disease, neonatal, 1. Last evaluated: 2021-08-14. Review status: criteria provided, single submitter. Criteria: Invitae Variant Classification Sherloc (09022015). Collection method: clinical testing. Allele origin: germline.
Comment: This sequence change replaces threonine with asparagine at codon 108 of the ADAM17 protein (p.Thr108Asn). The threonine residue is weakly conserved and there is a small physicochemical difference between threonine and asparagine. This variant is present in population databases (rs752645542, ExAC 0.001%). This variant has not been reported in the literature in individuals affected with ADAM17-related conditions. Algorithms developed to predict the effect of missense changes on protein structure and function are either unavailable or do not agree on the potential impact of this missense change (SIFT: "Not Available"; PolyPhen-2: "Benign"; Align-GVGD: "Not Available"). In summary, the available evidence is currently insufficient to determine the role of this variant in disease. Therefore, it has been classified as a Variant of Uncertain Significance.

NM_003183.6(ADAM17):c.323C>A (p.Thr108Asn)

Gene: ADAM17 (ADAM metallopeptidase domain 17; minus strand). Cytogenetic location: 2p25.1.
Variant type: single nucleotide variant.
Coding change: c.323C>A on transcript NM_003183.6 (MANE Select); coding-DNA position 323, C replaced by A.
Protein change: p.Thr108Asn; replaces threonine 108 with asparagine.
Molecular consequence: missense variant. On other transcripts: 5 prime UTR variant (2).
Genome position (GRCh38, 1-based): chr2:9,536,736, G>T on the plus strand (C>A on the coding strand, the complement: ADAM17 is on the minus strand). VCF-style: chr2-9536736-G-T. GRCh37 (hg19) VCF-style: chr2-9676865-G-T.
Other names: c.-358C>A (NM_001382777.1); c.-600C>A (NM_001382778.1); short protein forms T108N.
Identifiers: ClinVar variation 1467216 (VCV001467216.5), dbSNP rs752645542, ClinGen allele CA1523810.